The following is an entry in ClinVar:

ClinVar aggregate classification (germline): Likely benign (1 of 4 stars; one submission).

gnomAD v4.1: 6,432 of 1,612,838 alleles (0.4%); highest among the groups gnomAD compares: Non-Finnish European, 0.51%; 17 homozygotes.

Submission:

CeGaT Center for Human Genetics Tuebingen
Classification: Likely benign. Last evaluated: 2026-08-01. Review status: criteria provided, single submitter. Criteria: CeGaT Center For Human Genetics Tuebingen Variant Classification Criteria Version 2. Collection method: clinical testing. Allele origin: germline. Affected: yes. Observed: 3 variant alleles.
Comment: MSTO1: BS2

NM_018116.4(MSTO1):c.367-21G>A

Gene: MSTO1 (misato mitochondrial distribution and morphology regulator 1; plus strand). Cytogenetic location: 1q22.
Variant type: single nucleotide variant.
Coding change: c.367-21G>A on transcript NM_018116.4 (MANE Select); 21 bases into the intron before coding-DNA position 367, G replaced by A.
Molecular consequence: intron variant. On other transcripts: missense variant (1), 5 prime UTR variant (2), non-coding transcript variant (1).
Genome position (GRCh38, 1-based): chr1:155,611,528, G>A. VCF-style: chr1-155611528-G-A. GRCh37 (hg19) VCF-style: chr1-155581319-G-A.
Other names: c.181G>A, p.Asp61Asn (NM_001350776.1); c.-189G>A (NM_001350780.1, NM_001350781.1); c.-190-21G>A (NM_001350779.1, NM_001350778.1, NM_001350777.1); c.-239-21G>A (NM_001350784.1, NM_001350785.1, NM_001350789.1 and 1 more transcripts); c.-168-21G>A (NM_001350786.1, NM_001350788.1, NM_001350782.1 and 1 more transcripts); c.367-21G>A (NM_001350773.1, NM_001350774.1, NM_001350775.1 and 3 more transcripts); short protein forms D61N.
Identifiers: ClinVar variation 4875496 (VCV004875496.2).